The following is an entry in ClinVar:

ClinVar aggregate classification (germline): Uncertain significance (1 of 4 stars; one submission).

Conditions:
Lethal congenital glycogen storage disease of heart. Also called: GLYCOGEN STORAGE DISEASE OF HEART; PHOSPHORYLASE KINASE DEFICIENCY OF HEART. Identifiers: Orphanet 439854, MedGen C1849813, MONDO:0009867, OMIM 261740.

gnomAD v4.1: 1 of 1,614,208 alleles (0.000062%); highest among the groups gnomAD compares: Non-Finnish European, 0.000085%; no homozygotes.

Submission:

Labcorp Genetics (formerly Invitae), Labcorp
Classification: Uncertain significance for Lethal congenital glycogen storage disease of heart. Last evaluated: 2025-05-11. Review status: criteria provided, single submitter. Criteria: Invitae Variant Classification Sherloc (09022015). Collection method: clinical testing. Allele origin: germline.
Comment: This sequence change replaces phenylalanine, which is neutral and non-polar, with leucine, which is neutral and non-polar, at codon 204 of the PRKAG2 protein (p.Phe204Leu). This variant is not present in population databases (gnomAD no frequency). This variant has not been reported in the literature in individuals affected with PRKAG2-related conditions. Invitae Evidence Modeling of protein sequence and biophysical properties (such as structural, functional, and spatial information, amino acid conservation, physicochemical variation, residue mobility, and thermodynamic stability) indicates that this missense variant is not expected to disrupt PRKAG2 protein function with a negative predictive value of 95%. In summary, the available evidence is currently insufficient to determine the role of this variant in disease. Therefore, it has been classified as a Variant of Uncertain Significance.

NM_016203.4(PRKAG2):c.612C>G (p.Phe204Leu)

Gene: PRKAG2 (protein kinase AMP-activated non-catalytic subunit gamma 2; minus strand). Cytogenetic location: 7q36.1.
Variant type: single nucleotide variant.
Coding change: c.612C>G on transcript NM_016203.4 (MANE Select); coding-DNA position 612, C replaced by G.
Protein change: p.Phe204Leu; replaces phenylalanine 204 with leucine.
Molecular consequence: missense variant. On other transcripts: intron variant (5).
Genome position (GRCh38, 1-based): chr7:151,675,492, G>C on the plus strand (C>G on the coding strand, the complement: PRKAG2 is on the minus strand). VCF-style: chr7-151675492-G-C. GRCh37 (hg19) VCF-style: chr7-151372578-G-C.
Other names: c.480C>G, p.Phe160Leu (NM_001040633.2, NM_001407024.1, NM_001407026.1 and 1 more transcripts); c.240C>G, p.Phe80Leu (NM_001304527.2, NM_001363698.2, NM_001407028.1 and 1 more transcripts); c.612C>G, p.Phe204Leu (NM_001407021.1, NM_001407022.1, NM_001407023.1); c.294C>G, p.Phe98Leu (NM_001407032.1); c.467-80041C>G (NM_001407031.1); c.467-80038C>G (NM_001407030.1); c.361-43354C>G (NM_001407033.1); c.94+60408C>G (NM_001407037.1); and 1 more; short protein forms F160L, F204L, F80L, F98L.
Identifiers: ClinVar variation 4802509 (VCV004802509.1).